The following is an entry in ClinVar:

ClinVar aggregate classification (germline): Pathogenic/Likely pathogenic. Review status: criteria provided, multiple submitters, no conflicts (2 of 4 stars). 3 submissions from 3 submitters: Pathogenic (1); Likely pathogenic (1). 1 of the submissions does not count toward it. Last evaluated 2023-08-21.

Conditions:
Alstrom syndrome (ALMS). Identifiers: Orphanet 64, MedGen C0268425, MONDO:0008763, OMIM 203800.

Submissions (3):

Labcorp Genetics (formerly Invitae), Labcorp
Classification: Pathogenic for Alstrom syndrome. Last evaluated: 2023-08-21. Review status: criteria provided, single submitter. Criteria: Invitae Variant Classification Sherloc (09022015). Collection method: clinical testing. Allele origin: germline.
Comment: For these reasons, this variant has been classified as Pathogenic. ClinVar contains an entry for this variant (Variation ID: 551591). This variant has not been reported in the literature in individuals affected with ALMS1-related conditions. This variant is not present in population databases (gnomAD no frequency). This sequence change creates a premature translational stop signal (p.Arg2320Serfs*23) in the ALMS1 gene. It is expected to result in an absent or disrupted protein product. Loss-of-function variants in ALMS1 are known to be pathogenic (PMID: 17594715).

Fulgent Genetics
Classification: Likely pathogenic for Alstrom syndrome. Last evaluated: 2021-12-16. Review status: criteria provided, single submitter. Criteria: ACMG Guidelines, 2015. Collection method: clinical testing. Allele origin: unknown.

Counsyl
Classification: Likely pathogenic for Alstrom syndrome. Last evaluated: 2017-04-19. Review status: no assertion criteria provided. Collection method: clinical testing. Allele origin: unknown. Not counted in ClinVar's aggregate classification.

Literature cited by the submitters: PubMed 17594715 (cited by Labcorp Genetics (formerly Invitae), Labcorp).

NM_001378454.1(ALMS1):c.6957_6960del (p.Arg2319fs)

Gene: ALMS1 (ALMS1 centrosome and basal body associated protein; plus strand). Cytogenetic location: 2p13.1.
Variant type: Microsatellite.
Coding change: c.6957_6960del on transcript NM_001378454.1 (MANE Select); coding-DNA positions 6957 to 6960, 4 bases deleted (ACAG; older notation c.6957_6960delACAG).
Protein change: p.Arg2319fs; shifts the reading frame from arginine 2319.
Molecular consequence: frameshift variant.
Genome position (GRCh38, 1-based): chr2:73,453,484-73,453,487, ACAG deleted; deleting any 4 consecutive bases within chr2:73,453,480-73,453,487 gives the same sequence; the c. name uses the placement nearest the transcript's 3' end. VCF-style (leftmost placement, unchanged base first): chr2-73453479-CACAG-C. GRCh37 (hg19) VCF-style: chr2-73680606-CACAG-C.
Other names: c.6960_6963del, p.Arg2320fs (NM_015120.4); c.6960_6963delACAG (NM_015120.4); short protein forms R2320fs, R2319fs.
Identifiers: ClinVar variation 551591 (VCV000551591.10), dbSNP rs1553404377, ClinGen allele CA658822896.